The following is an entry in ClinVar:

NM_000037.4(ANK1):c.3629+4A>T

Gene: ANK1 (ankyrin 1; minus strand). Cytogenetic location: 8p11.21.
Variant type: single nucleotide variant.
Coding change: c.3629+4A>T on transcript NM_000037.4 (MANE Select); 4 bases into the intron after coding-DNA position 3629, A replaced by T.
Molecular consequence: intron variant.
Genome position (GRCh38, 1-based): chr8:41,693,101, T>A on the plus strand (A>T on the coding strand, the complement: ANK1 is on the minus strand). VCF-style: chr8-41693101-T-A. GRCh37 (hg19) VCF-style: chr8-41550619-T-A.
Other names: c.3752+4A>T (NM_001142446.2); c.3629+4A>T (NM_020477.3, NM_020475.3, NM_020476.3).
Identifiers: ClinVar variation 2012472 (VCV002012472.4), dbSNP rs2486762967, ClinGen allele CA2580078289.

ClinVar aggregate classification (germline): Uncertain significance (1 of 4 stars; one submission).

Submission:

Labcorp Genetics (formerly Invitae), Labcorp
Classification: Uncertain significance. Last evaluated: 2022-06-30. Review status: criteria provided, single submitter. Criteria: Invitae Variant Classification Sherloc (09022015). Collection method: clinical testing. Allele origin: germline.
Comment: In summary, the available evidence is currently insufficient to determine the role of this variant in disease. Therefore, it has been classified as a Variant of Uncertain Significance. Variants that disrupt the consensus splice site are a relatively common cause of aberrant splicing (PMID: 17576681, 9536098). Algorithms developed to predict the effect of sequence changes on RNA splicing suggest that this variant may disrupt the consensus splice site. This variant has not been reported in the literature in individuals affected with ANK1-related conditions. This variant is not present in population databases (gnomAD no frequency). This sequence change falls in intron 30 of the ANK1 gene. It does not directly change the encoded amino acid sequence of the ANK1 protein. It affects a nucleotide within the consensus splice site.

Literature cited by the submitters: PubMed 17576681; PubMed 9536098.